The following is an entry in ClinVar:

NM_000552.5(VWF):c.7563G>A (p.Trp2521Ter)

Gene: VWF (von Willebrand factor; minus strand). Cytogenetic location: 12p13.31.
Variant type: single nucleotide variant.
Coding change: c.7563G>A on transcript NM_000552.5 (MANE Select); coding-DNA position 7563, G replaced by A.
Protein change: p.Trp2521Ter; replaces tryptophan 2521 with a stop codon.
Molecular consequence: nonsense.
Genome position (GRCh38, 1-based): chr12:5,969,377, C>T on the plus strand (G>A on the coding strand, the complement: VWF is on the minus strand). VCF-style: chr12-5969377-C-T. GRCh37 (hg19) VCF-style: chr12-6078543-C-T.
Other names: short protein forms W2521*.
Identifiers: ClinVar variation 1705678 (VCV001705678.1), dbSNP rs2136356244, ClinGen allele CA383489552.

ClinVar aggregate classification (germline): Pathogenic (1 of 4 stars; one submission).

Conditions:
von Willebrand disease type 3 (VWD3). Also called: Type 3 Von Willebrand's disease; Type 3 VWD; Von Willebrand disease, severe form; V WD3; VON WILLEBRAND DISEASE, TYPE III. Identifiers: Orphanet 166096, MedGen C1264041, MONDO:0010191, OMIM 277480.

Allele frequency attached by ClinVar (database versions not stated): gnomAD exomes below 0.00001; 1000 Genomes Project 30x 0.00016.
gnomAD v4.1: 1 of 1,614,166 alleles (0.000062%); highest among the groups gnomAD compares: Non-Finnish European, 0.000085%; no homozygotes.

Submission:

3billion
Classification: Pathogenic for von Willebrand disease type 3. Last evaluated: 2022-09-01. Review status: criteria provided, single submitter. Criteria: ACMG Guidelines, 2015. Collection method: clinical testing. Allele origin: germline. Affected: yes. Observed: 1 homozygote.
Comment: The variant is not observed in the gnomAD v2.1.1 dataset. Stop-gained (nonsense) is predicted to result in a loss or disruption of normal protein function through nonsense-mediated decay (NMD) or protein truncation. Multiple pathogenic variants are reported downstream of the variant. Therefore, this variant is classified as Pathogenic according to the recommendation of ACMG/AMP guideline.